The following is an entry in ClinVar:

ClinVar aggregate classification (germline): Pathogenic. Review status: criteria provided, multiple submitters, no conflicts (2 of 4 stars). 18 submissions from 18 submitters: Pathogenic (18). Last evaluated 2026-01-26.

Conditions:
Hereditary nonpolyposis colorectal neoplasms. Identifiers: MedGen C0009405, MeSH D003123.
Hereditary nonpolyposis colon cancer (HNPCC). Also called: Hereditary nonpolyposis colorectal cancer; Familial nonpolyposis colon cancer; Hereditary Nonpolyposis Colorectal Cancer Syndrome. Identifiers: Orphanet 443909, MedGen C1333990, MONDO:0018630. Disease mechanism: loss of function.
Mismatch repair cancer syndrome 3. Identifiers: MedGen C5436807, MONDO:0030841, OMIM 619097.
Hereditary cancer-predisposing syndrome. Also called: Hereditary neoplastic syndrome; Tumor predisposition; Neoplastic Syndromes, Hereditary; Hereditary Cancer Syndrome. Identifiers: Orphanet 140162, MedGen C0027672, MeSH D009386, MONDO:0015356.
Lynch syndrome. Identifiers: Orphanet 144, MedGen C4552100, MONDO:0005835. Disease mechanism: loss of function.
Lynch syndrome 5 (LYNCH5). Also called: Colorectal cancer, hereditary nonpolyposis, type 5; Hereditary non-polyposis colorectal cancer, type 5. Identifiers: Orphanet 144, MedGen C1833477, MONDO:0013710, OMIM 614350. Disease mechanism: loss of function.
Endometrial carcinoma. Also called: Endometrial carcinoma, somatic. Identifiers: MedGen C0476089, MONDO:0002447, OMIM 608089, HP:0012114.

Submissions 1 to 10 of 18:

Labcorp Genetics (formerly Invitae), Labcorp
Classification: Pathogenic for Hereditary nonpolyposis colorectal neoplasms. Last evaluated: 2026-01-26. Review status: criteria provided, single submitter. Criteria: Invitae Variant Classification Sherloc (09022015). Collection method: clinical testing. Allele origin: germline.
Comment: This sequence change creates a premature translational stop signal (p.Arg1172Serfs*4) in the MSH6 gene. It is expected to result in an absent or disrupted protein product. Loss-of-function variants in MSH6 are known to be pathogenic (PMID: 18269114, 24362816). This variant is not present in population databases (gnomAD no frequency). This variant has not been reported in the literature in individuals affected with MSH6-related conditions. Invitae Evidence Modeling of clinical and family history, age, sex, and reported ancestry of multiple individuals with this MSH6 variant has been performed. This variant is expected to be pathogenic with a positive predictive value of at least 99%. This is a validated machine learning model that incorporates the clinical features of 1,627,235 individuals referred to our laboratory for MSH6 testing. This variant is also known as c.3516_3517delAG (p.R1172fs). ClinVar contains an entry for this variant (Variation ID: 92578). RNA analysis performed to evaluate the impact of this premature translational stop signal on mRNA splicing indicates it does not significantly alter splicing (internal data). For these reasons, this variant has been classified as Pathogenic.

Women's Health and Genetics/Laboratory Corporation of America, LabCorp
Classification: Pathogenic for Hereditary nonpolyposis colon cancer. Last evaluated: 2025-12-01. Review status: criteria provided, single submitter. Criteria: LabCorp Variant Classification Summary - May 2015. Collection method: clinical testing. Allele origin: germline.
Comment: Variant summary: MSH6 c.3516_3517delAG (p.Arg1172SerfsX4) results in a premature termination codon, predicted to cause absence of the protein due to nonsense mediated decay, which is a commonly known mechanism for disease. The variant was absent in 251324 control chromosomes (gnonAD). c.3516_3517delAG has been observed in individuals affected with Hereditary Nonpolyposis Colorectal Cancer (e.g., Baglietto_2010). The following publication has been ascertained in the context of this evaluation (PMID: 20028993). ClinVar contains an entry for this variant (Variation ID: 92578). Based on the evidence outlined above, the variant was classified as pathogenic.

Color Diagnostics, LLC DBA Color Health
Classification: Pathogenic for Hereditary cancer-predisposing syndrome. Last evaluated: 2025-11-03. Review status: criteria provided, single submitter. Criteria: ACMG Guidelines, 2015. Collection method: clinical testing. Allele origin: germline.
Comment: This variant deletes 2 nucleotides in exon 6 of the MSH6 gene, creating a frameshift and premature translation stop signal. This variant is expected to result in an absent or non-functional protein product. This variant has been reported in individuals affected with Lynch syndrome or Lynch syndrome-associated cancers (PMID: 20028993, 25980754, 26099011, 28888541, 30877237, 31491536). Tumor data from affected individuals demonstrated high microsatellite instability or loss of MSH6 protein via immunohistochemistry (PMID: 26099011, 30877237). This variant has not been identified in the general population by the Genome Aggregation Database (gnomAD). Loss of MSH6 function is a known mechanism of disease. Based on the available evidence, this variant is classified as Pathogenic.

Ambry Genetics
Classification: Pathogenic for Hereditary cancer-predisposing syndrome. Last evaluated: 2025-06-11. Review status: criteria provided, single submitter. Criteria: Ambry Variant Classification Scheme 2023. Collection method: clinical testing. Allele origin: germline.
Comment: The c.3516_3517delAG pathogenic mutation, located in coding exon 6 of the MSH6 gene, results from a deletion of two nucleotides at nucleotide positions 3516 to 3517, causing a translational frameshift with a predicted alternate stop codon (p.R1172Sfs*4). This mutation has previously been identified in a family with HNPCC/Lynch syndrome (Baglietto, L et al. J Natl Cancer Inst. 2010 Feb 3;102(3):193-201). In addition to the clinical data presented in the literature, this alteration is expected to result in loss of function by premature protein truncation or nonsense-mediated mRNA decay. As such, this alteration is interpreted as a disease-causing mutation.

Department of Clinical Genetics, Copenhagen University Hospital, Rigshospitalet
Classification: Pathogenic for Lynch syndrome. Last evaluated: 2025-02-04. Review status: criteria provided, single submitter. Criteria: ACMG Guidelines, 2015. Collection method: clinical testing. Allele origin: germline.
Comment: PVS1; PM2_SUP; PP4

ARUP Laboratories, Molecular Genetics and Genomics, ARUP Laboratories
Classification: Pathogenic. Last evaluated: 2024-12-19. Review status: criteria provided, single submitter. Criteria: ARUP Molecular Germline Variant Investigation Process 2024. Collection method: clinical testing. Allele origin: germline.
Comment: The MSH6 c.3516_3517del; p.Arg1172SerfsTer4 variant (rs398123232, ClinVar Variation ID 92578) is reported in the literature in individuals affected with high microsatellite instability (MSI-H) Lynch syndrome or colorectal cancer, and ovarian cancer (Lilyquist 2017, Pearlman 2019, Tsaousis 2019, Yanus 2020). This variant is absent from the Genome Aggregation Database (v2.1.1), indicating it is not a common polymorphism. Additionally, another variant at this codon (c.3514dup, p.Arg1172LeufsTer5) has been reported in an individual with colorectal cancer (Pearlman 2019). This variant causes a frameshift by deleting two nucleotides, so it is predicted to result in a truncated protein or mRNA subject to nonsense-mediated decay. Based on available information, this variant is considered to be pathogenic. References: Lilyquist J et al. Frequency of mutations in a large series of clinically ascertained ovarian cancer cases tested on multi-gene panels compared to reference controls. Gynecologic oncology. 2017 Nov. PMID: 28888541. Pearlman R et al. Clinical characteristics of patients with colorectal cancer with double somatic mismatch repair mutations compared with Lynch syndrome. J Med Genet. 2019 Jul. PMID: 30877237. Tsaousis GN et al. Analysis of hereditary cancer syndromes by using a panel of genes: novel and multiple pathogenic mutations. BMC Cancer. 2019 Jun 3. PMID: 31159747. Yanus GA et al. The spectrum of Lynch syndrome-associated germ-line mutations in Russia. Eur J Med Genet. 2020 Mar. PMID: 31491536.

All of Us Research Program, National Institutes of Health
Classification: Pathogenic for Lynch syndrome. Last evaluated: 2024-07-29. Review status: criteria provided, single submitter. Criteria: ACMG Guidelines, 2015. Collection method: clinical testing. Allele origin: germline. Inheritance: Autosomal dominant inheritance. Observed: 3 variant alleles, 3 heterozygotes.
Comment: This variant deletes 2 nucleotides in exon 6 of the MSH6 gene, creating a frameshift and premature translation stop signal. This variant is expected to result in an absent or non-functional protein product. This variant has been reported in individuals affected with Lynch syndrome or Lynch syndrome-associated cancers (PMID: 20028993, 25980754, 26099011, 28888541, 30877237, 31491536). Tumor data from affected individuals demonstrated high microsatellite instability or loss of MSH6 protein via immunohistochemistry (PMID: 26099011, 30877237). This variant has not been identified in the general population by the Genome Aggregation Database (gnomAD). Loss of MSH6 function is a known mechanism of disease. Based on the available evidence, this variant is classified as Pathogenic.

This study involves interpretation of variants in research participants for the purpose of population health screening. Participant phenotype was not available at the time of variant classification. Additional details can be found in publication PMID: 35346344, PMCID: PMC8962531

Revvity Omics, Revvity
Classification: Pathogenic. Last evaluated: 2024-06-26. Review status: criteria provided, single submitter. Criteria: ACMG Guidelines, 2015. Collection method: clinical testing. Allele origin: germline.

Department of Pathology and Laboratory Medicine, Sinai Health System
Classification: Pathogenic for Mismatch repair cancer syndrome 3. Last evaluated: 2024-02-22. Review status: criteria provided, single submitter. Criteria: ACMG Guidelines, 2015. Collection method: clinical testing. Allele origin: germline. Affected: yes.

Baylor Genetics
Classification: Pathogenic for Endometrial carcinoma. Last evaluated: 2023-10-12. Review status: criteria provided, single submitter. Criteria: ACMG Guidelines, 2015. Collection method: clinical testing. Allele origin: unknown.

NM_000179.3(MSH6):c.3516_3517del (p.Arg1172fs)

Gene: MSH6 (mutS homolog 6; plus strand). Cytogenetic location: 2p16.3.
Variant type: Microsatellite.
Coding change: c.3516_3517del on transcript NM_000179.3 (MANE Select); coding-DNA positions 3516 to 3517, 2 bases deleted (AG; older notation c.3516_3517delAG).
Protein change: p.Arg1172fs; shifts the reading frame from arginine 1172.
Molecular consequence: frameshift variant.
Genome position (GRCh38, 1-based): chr2:47,804,987-47,804,988, AG deleted; deleting any 2 consecutive bases within chr2:47,804,985-47,804,988 gives the same sequence; the c. name uses the placement nearest the transcript's 3' end. VCF-style (leftmost placement, unchanged base first): chr2-47804984-TAG-T. GRCh37 (hg19) VCF-style: chr2-48032123-TAG-T.
Other names: c.3126_3127del, p.Arg1042fs (NM_001281492.2); c.2610_2611del, p.Arg870fs (NM_001281493.2, NM_001281494.2); c.3516_3517delAG (NM_000179.2, NM_000179.3); short protein forms R870fs, R1042fs, R1172fs.
Identifiers: ClinVar variation 92578 (VCV000092578.45), dbSNP rs398123232, ClinGen allele CA013221.